The following is an entry in ClinVar:

ClinVar aggregate classification (germline): Uncertain significance (1 of 4 stars; one submission).

Submission:

Women's Health and Genetics/Laboratory Corporation of America, LabCorp
Classification: Uncertain significance. Last evaluated: 2026-06-24. Review status: criteria provided, single submitter. Criteria: LabCorp Variant Classification Summary - May 2015. Collection method: clinical testing. Allele origin: germline.
Comment: Variant summary: The variant involves the duplication of exons 1-2 in the BTRC gene. A presumed nomenclature of c.(?_-17)_(156+1_157-1)dup has been designated for the purposes of this classification. The exact breakpoint at the 5' end of this variant is unknown, therefore this duplication may extend upstream of the annotated region of this gene. It is predicted to duplicate a segment including the initiation codon, therefore its impact on the encoded protein is unknown. The variant was absent in 21694 control chromosomes. The available data on variant occurrences in the general population are insufficient to allow any conclusion about variant significance. Similar copy number variants have not been observed in individual(s) affected with BTRC-related conditions. However, other duplications both including (multigenic) and entirely within (exons 2-14) the BTRC gene have been reported in the heterozygous state in numerous individuals with clinical features of split hand/foot malformation(s) (example, Li_2015, Akimova_2024, Qiu_2022). These report(s) do not provide unequivocal conclusions about association of this exons 1-2 duplication with disease. To our knowledge, no experimental evidence demonstrating an impact on protein function has been reported. However, in vivo murine and in vitro experiments have suggested that the mechanism resulting in the split hand/foot malformation phenotype is reliant on misexpression of both BTRC and LBX1 which may occur due to disruption of chromatin architecture (example, Cova_2023). The following publications have been ascertained in the context of this evaluation (PMID: 27600068, 38250576, 35908152, 36928426). No submitters have cited clinical-significance assessments for this variant to ClinVar. Based on the evidence outlined above, the variant was classified as uncertain significance.

Literature cited by the submitters: PubMed 38250576; PubMed 36928426; PubMed 27600068; PubMed 35908152.

NC_000010.10:g.(?_103113921)_(103190210_103221737)dup

Gene: BTRC (beta-transducin repeat containing E3 ubiquitin protein ligase; plus strand). Cytogenetic location: 10q24.32.
Variant type: Duplication.
Identifiers: ClinVar variation 4887694 (VCV004887694.1).